The following is an entry in ClinVar:

ClinVar aggregate classification (germline): Pathogenic. Review status: reviewed by expert panel (3 of 4 stars). 7 submissions from 7 submitters: Pathogenic (1). 6 of the submissions do not count toward it. Last evaluated 2017-12-15.

Conditions:
Hereditary cancer-predisposing syndrome. Also called: Hereditary neoplastic syndrome; Hereditary Cancer Syndrome; Neoplastic Syndromes, Hereditary; Tumor predisposition. Identifiers: Orphanet 140162, MedGen C0027672, MeSH D009386, MONDO:0015356.
Breast-ovarian cancer, familial, susceptibility to, 2 (BROVCA2). Also called: BRCA2 Hereditary Breast and Ovarian Cancer. Identifiers: Orphanet 145, MedGen C2675520, MONDO:0012933, OMIM 612555. Disease mechanism: loss of function.
Hereditary breast ovarian cancer syndrome. Also called: Hereditary breast and ovarian cancer syndrome; BRCA1- and BRCA2-Associated Hereditary Breast and Ovarian Cancer; Hereditary breast and/or ovarian cancer syndrome; Hereditary breast and ovarian cancer; Breast and ovarian cancer; Hereditary breast and ovarian cancer syndrome (HBOC). Identifiers: Orphanet 145, MedGen C0677776, MeSH D061325, MONDO:0003582. Disease mechanism: loss of function.

Submissions (7):

Evidence-based Network for the Interpretation of Germline Mutant Alleles (ENIGMA)
Classification: Pathogenic for Breast-ovarian cancer, familial, susceptibility to, 2. Last evaluated: 2017-12-15. Review status: reviewed by expert panel. Criteria: ENIGMA BRCA1/2 Classification Criteria (2017-06-29). Collection method: curation. Allele origin: germline. Study: ENIGMA.
Comment: Variant allele predicted to encode a truncated non-functional protein.

Labcorp Genetics (formerly Invitae), Labcorp
Classification: Pathogenic for Hereditary breast ovarian cancer syndrome. Last evaluated: 2025-10-16. Review status: criteria provided, single submitter. Criteria: Invitae Variant Classification Sherloc (09022015). Collection method: clinical testing. Allele origin: germline. Not counted in ClinVar's aggregate classification.
Comment: This sequence change creates a premature translational stop signal (p.Glu1422*) in the BRCA2 gene. It is expected to result in an absent or disrupted protein product. Loss-of-function variants in BRCA2 are known to be pathogenic (PMID: 20104584). This variant is not present in population databases (gnomAD no frequency). This variant has not been reported in the literature in individuals affected with BRCA2-related conditions. ClinVar contains an entry for this variant (Variation ID: 419134). For these reasons, this variant has been classified as Pathogenic.

Women's Health and Genetics/Laboratory Corporation of America, LabCorp
Classification: Pathogenic for Hereditary breast ovarian cancer syndrome. Last evaluated: 2025-10-10. Review status: criteria provided, single submitter. Criteria: LabCorp Variant Classification Summary - May 2015. Collection method: clinical testing. Allele origin: germline. Not counted in ClinVar's aggregate classification.
Comment: Variant summary: BRCA2 c.4263dupT (p.Glu1422X) results in a premature termination codon, predicted to cause a truncation of the encoded protein or absence of the protein due to nonsense mediated decay, which are commonly known mechanisms for disease. The variant was absent in 244580 control chromosomes. c.4263dupT has been observed in individual(s) affected with Hereditary Breast And Ovarian Cancer Syndrome (example: Molina-Zayas_2022). The following publication has been ascertained in the context of this evaluation (PMID: 35451682). ClinVar contains an entry for this variant (Variation ID: 419134). Based on the evidence outlined above, the variant was classified as pathogenic.

GeneDx
Classification: Pathogenic. Last evaluated: 2025-09-12. Review status: criteria provided, single submitter. Criteria: GeneDx Variant Classification Process June 2021. Collection method: clinical testing. Allele origin: germline. Affected: yes. Not counted in ClinVar's aggregate classification.
Comment: Nonsense variant predicted to result in protein truncation or nonsense mediated decay in a gene for which loss of function is a known mechanism of disease; Observed in individuals with a personal or family history consistent with pathogenic variants in this gene (PMID: 35451682); Not observed at significant frequency in large population cohorts (gnomAD); Truncating variants in this gene are considered pathogenic by a well-established clinical consortium and/or database; Also known as 4491dup; This variant is associated with the following publications: (PMID: 35451682, 20104584)

Ambry Genetics
Classification: Pathogenic for Hereditary cancer-predisposing syndrome. Last evaluated: 2025-06-24. Review status: criteria provided, single submitter. Criteria: Ambry Variant Classification Scheme 2023. Collection method: clinical testing. Allele origin: germline. Not counted in ClinVar's aggregate classification.
Comment: The c.4263dupT pathogenic mutation, located in coding exon 10 of the BRCA2 gene, results from a duplication of T at nucleotide position 4263, causing a translational frameshift with a predicted alternate stop codon (p.E1422*). This variant is considered to be rare based on population cohorts in the Genome Aggregation Database (gnomAD). This alteration is expected to result in loss of function by premature protein truncation or nonsense-mediated mRNA decay. As such, this alteration is interpreted as a disease-causing mutation.

Molecular Diagnostics Laboratory, Catalan Institute of Oncology
Classification: Pathogenic for Hereditary cancer-predisposing syndrome. Last evaluated: 2024-09-05. Review status: criteria provided, single submitter. Criteria: ACMG Guidelines, 2015. Collection method: clinical testing. Allele origin: germline. Not counted in ClinVar's aggregate classification.
Comment: PVS1_, PM5_Strong Hi ha una altre variant amb cDNA annot: c.4263_4264insT. MG: c.4263dup, located in exon 11 of the BRCA2 gene, consists in the duplication of 1 nucleotide, causing an alternate stop codon, p.(Glu1422*). This alteration is expected to result in loss of function by premature protein truncation and nonsense-mediated mRNA decay (PVS1, PM5_PTC_Strong). No effect is predicted on splicing by SpliceAI. It is not present in the population database gnomAD v2.1.1, non cancer dataset. To our knowledge, neither clinical data nor functional studies have been reported for this variant. In addition, the variant was also identified in BRCA Exchange (Pathogenic: Variant allele predicted to encode a truncated non-functional protein) and ClinVar (1x likely pathogenic, 5x pathogenic) databases but it was not identified in LOVD database. Based on currently available information, c.4263dup is classified as a pathogenic variant according to ClinGen-BRCA2 Guidelines version v1.0.0.

Color Diagnostics, LLC DBA Color Health
Classification: Pathogenic for Hereditary cancer-predisposing syndrome. Last evaluated: 2022-03-02. Review status: criteria provided, single submitter. Criteria: ACMG Guidelines, 2015. Collection method: clinical testing. Allele origin: germline. Not counted in ClinVar's aggregate classification.
Comment: This variant inserts 1 nucleotide in exon 11 of the BRCA2 gene, creating a frameshift and premature translation stop signal. This variant is expected to result in an absent or non-functional protein product. To our knowledge, this variant has not been reported in individuals affected with hereditary cancer in the literature. This variant has not been identified in the general population by the Genome Aggregation Database (gnomAD). Loss of BRCA2 function is a known mechanism of disease. Based on the available evidence, this variant is classified as Pathogenic.

Literature cited by the submitters: PubMed 20104584 (cited by Labcorp Genetics (formerly Invitae), Labcorp); PubMed 35451682 (cited by Women's Health and Genetics/Laboratory Corporation of America, LabCorp).

NM_000059.4(BRCA2):c.4263dup (p.Glu1422Ter)

Gene: BRCA2 (BRCA2 DNA repair associated; plus strand). Cytogenetic location: 13q13.1.
Variant type: Duplication.
Coding change: c.4263dup on transcript NM_000059.4 (MANE Select); coding-DNA position 4263, one base duplicated (T; older notation c.4263dupT).
Protein change: p.Glu1422Ter; replaces glutamic acid 1422 with a stop codon.
Molecular consequence: nonsense.
Genome position (GRCh38, 1-based): chr13:32,338,618, T duplicated; the last of 4 consecutive T bases (chr13:32,338,615-32,338,618); duplicating any one gives the same sequence. VCF-style (leftmost placement, unchanged base first): chr13-32338614-A-AT. GRCh37 (hg19) VCF-style: chr13-32912751-A-AT.
Other names: c.4263dupT (NM_000059.3, NM_000059.4); c.4263dup (NM_000059.3); short protein forms E1422*.
Identifiers: ClinVar variation 419134 (VCV000419134.18), dbSNP rs1555283664, ClinGen allele CA16619703.